The following is an entry in ClinVar:

ClinVar aggregate classification (germline): Uncertain significance (1 of 4 stars; one submission).

Conditions:
Desbuquois dysplasia 1 (DBQD1). Also called: DESBUQUOIS DYSPLASIA 1, KIM VARIANT; MICROMELIC DWARFISM WITH VERTEBRAL AND METAPHYSEAL ABNORMALITIES AND ADVANCED CARPOTARSAL OSSIFICATION. Identifiers: Orphanet 1425, MedGen C4012146, MONDO:0009629, OMIM 251450.

Allele frequency attached by ClinVar (database versions not stated): gnomAD 0.00002; gnomAD exomes 0.00002 and 0.00004; ExAC 0.00006; ESP Exome Variant Server 0.00008.
gnomAD v4.1: 34 of 1,613,676 alleles (0.0021%); highest among the groups gnomAD compares: East Asian, 0.018%; no homozygotes.

Submission:

Labcorp Genetics (formerly Invitae), Labcorp
Classification: Uncertain significance for Desbuquois dysplasia 1. Last evaluated: 2024-12-16. Review status: criteria provided, single submitter. Criteria: Invitae Variant Classification Sherloc (09022015). Collection method: clinical testing. Allele origin: germline.
Comment: This sequence change replaces threonine, which is neutral and polar, with isoleucine, which is neutral and non-polar, at codon 130 of the XYLT1 protein (p.Thr130Ile). This variant is present in population databases (rs374229842, gnomAD 0.05%). This variant has not been reported in the literature in individuals affected with XYLT1-related conditions. ClinVar contains an entry for this variant (Variation ID: 1409529). An algorithm developed to predict the effect of missense changes on protein structure and function (PolyPhen-2) suggests that this variant¬†is likely to be tolerated. In summary, the available evidence is currently insufficient to determine the role of this variant in disease. Therefore, it has been classified as a Variant of Uncertain Significance.

NM_022166.4(XYLT1):c.389C>T (p.Thr130Ile)

Gene: XYLT1 (xylosyltransferase 1; minus strand). Cytogenetic location: 16p12.3.
Variant type: single nucleotide variant.
Coding change: c.389C>T on transcript NM_022166.4 (MANE Select); coding-DNA position 389, C replaced by T.
Protein change: p.Thr130Ile; replaces threonine 130 with isoleucine.
Molecular consequence: missense variant.
Genome position (GRCh38, 1-based): chr16:17,358,025, G>A on the plus strand (C>T on the coding strand, the complement: XYLT1 is on the minus strand). VCF-style: chr16-17358025-G-A. GRCh37 (hg19) VCF-style: chr16-17451882-G-A.
Other names: short protein forms T130I.
Identifiers: ClinVar variation 1409529 (VCV001409529.7), dbSNP rs374229842, ClinGen allele CA7928248.